The following is an entry in ClinVar:

ClinVar aggregate classification (germline): Uncertain significance (1 of 4 stars; one submission).

Allele frequency attached by ClinVar (database versions not stated): gnomAD exomes below 0.00001; ExAC 0.00001; gnomAD 0.00001.
gnomAD v4.1: 3 of 1,207,009 alleles (0.00025%); highest among the groups gnomAD compares: Admixed American, 0.0022%; no homozygotes.

Submission:

Labcorp Genetics (formerly Invitae), Labcorp
Classification: Uncertain significance. Last evaluated: 2023-02-04. Review status: criteria provided, single submitter. Criteria: Invitae Variant Classification Sherloc (09022015). Collection method: clinical testing. Allele origin: germline.
Comment: In summary, the available evidence is currently insufficient to determine the role of this variant in disease. Therefore, it has been classified as a Variant of Uncertain Significance. This sequence change replaces valine, which is neutral and non-polar, with alanine, which is neutral and non-polar, at codon 448 of the CFP protein (p.Val448Ala). This variant is present in population databases (rs776785115, gnomAD 0.004%). This variant has not been reported in the literature in individuals affected with CFP-related conditions. Algorithms developed to predict the effect of missense changes on protein structure and function (SIFT, PolyPhen-2, Align-GVGD) all suggest that this variant is likely to be tolerated.

NM_001145252.3(CFP):c.1343T>C (p.Val448Ala)

Gene: CFP (complement factor properdin; minus strand). Cytogenetic location: Xp11.23.
Variant type: single nucleotide variant.
Coding change: c.1343T>C on transcript NM_001145252.3 (MANE Select); coding-DNA position 1343, T replaced by C.
Protein change: p.Val448Ala; replaces valine 448 with alanine.
Molecular consequence: missense variant.
Genome position (GRCh38, 1-based): chrX:47,624,342, A>G on the plus strand (T>C on the coding strand, the complement: CFP is on the minus strand). VCF-style: chrX-47624342-A-G. GRCh37 (hg19) VCF-style: chrX-47483741-A-G.
Other names: c.1343T>C, p.Val448Ala (NM_002621.2); short protein forms V448A.
Identifiers: ClinVar variation 2969792 (VCV002969792.3), dbSNP rs776785115, ClinGen allele CA10398810.
Genomic context (GRCh38, chrX:47,624,342, plus strand): 5'-TCCTCTTCCTCAGGGTCTTTGCAAGCAGGCACGTGTAGACATGGTCGTTTCTCCTCCACC[A>G]CCAGCTTCTGCCCTTGTAGCTCCTCACACCGTGGCAGCGGTCTCCCCCAGAAGGTCACGT-3'
Protein context (NP_001138724.1, residues 438-458): RCEELQGQKL[Val448Ala]VEEKRPCLHV